The following is an entry in ClinVar:

NM_133642.5(LARGE1):c.492-8C>T

Gene: LARGE1 (LARGE xylosyl- and glucuronyltransferase 1; minus strand). Cytogenetic location: 22q12.3.
Variant type: single nucleotide variant.
Coding change: c.492-8C>T on transcript NM_133642.5 (MANE Select); 8 bases into the intron before coding-DNA position 492, C replaced by T.
Molecular consequence: intron variant.
Genome position (GRCh38, 1-based): chr22:33,604,566, G>A on the plus strand (C>T on the coding strand, the complement: LARGE1 is on the minus strand). VCF-style: chr22-33604566-G-A. GRCh37 (hg19) VCF-style: chr22-34000552-G-A.
Other names: c.492-8C>T (NM_004737.7, NM_001378626.1, NM_001378625.1 and 7 more transcripts).
Identifiers: ClinVar variation 389225 (VCV000389225.11), dbSNP rs764180554, ClinGen allele CA10203017.

ClinVar aggregate classification (germline): Likely benign. Review status: criteria provided, multiple submitters, no conflicts (2 of 4 stars). 2 submissions from 2 submitters: Likely benign (2). Last evaluated 2025-03-31.

Conditions:
Muscular dystrophy-dystroglycanopathy type B6 (MDDGB6). Also called: MUSCULAR DYSTROPHY-DYSTROGLYCANOPATHY (CONGENITAL WITH IMPAIRED INTELLECTUAL DEVELOPMENT), TYPE B, 6; MUSCULAR DYSTROPHY, CONGENITAL, LARGE-RELATED; MUSCULAR DYSTROPHY, CONGENITAL, TYPE 1D. Identifiers: MedGen C1837229, MONDO:0012138, OMIM 608840.

Allele frequency attached by ClinVar (database versions not stated): gnomAD 0.00002; TOPMed 0.00002; gnomAD exomes 0.00006; ExAC 0.00007.
gnomAD v4.1: 20 of 1,613,954 alleles (0.0012%); highest among the groups gnomAD compares: Admixed American, 0.033%; no homozygotes.

Submissions (2):

Labcorp Genetics (formerly Invitae), Labcorp
Classification: Likely benign for Muscular dystrophy-dystroglycanopathy type B6. Last evaluated: 2025-03-31. Review status: criteria provided, single submitter. Criteria: Invitae Variant Classification Sherloc (09022015). Collection method: clinical testing. Allele origin: germline.

GeneDx
Classification: Likely benign. Last evaluated: 2016-09-15. Review status: criteria provided, single submitter. Criteria: GeneDx Variant Classification (06012015). Collection method: clinical testing. Allele origin: germline. Affected: yes.
Comment: This variant is considered likely benign or benign based on one or more of the following criteria: it is a conservative change, it occurs at a poorly conserved position in the protein, it is predicted to be benign by multiple in silico algorithms, and/or has population frequency not consistent with disease.